The following is an entry in ClinVar:

ClinVar aggregate classification (germline): Uncertain significance. Review status: criteria provided, multiple submitters, no conflicts (2 of 4 stars). 2 submissions from 2 submitters: Uncertain significance (2). Last evaluated 2025-11-20.

Conditions:
Inborn genetic diseases. Identifiers: MedGen C0950123, MeSH D030342.
Tyrosinemia type II (TYRSN2). Also called: KERATOSIS PALMOPLANTARIS WITH CORNEAL DYSTROPHY; OREGON TYPE TYROSINEMIA; TAT DEFICIENCY; TYROSINE AMINOTRANSFERASE DEFICIENCY; TYROSINE TRANSAMINASE DEFICIENCY. Identifiers: Orphanet 28378, MedGen C0268487, MONDO:0010160, OMIM 276600.

Allele frequency attached by ClinVar (database versions not stated): gnomAD 0.00001; TOPMed 0.00002.

Submissions (2):

Ambry Genetics
Classification: Uncertain significance for Inborn genetic diseases. Last evaluated: 2025-11-20. Review status: criteria provided, single submitter. Criteria: Ambry Variant Classification Scheme 2023. Collection method: clinical testing. Allele origin: germline.

Labcorp Genetics (formerly Invitae), Labcorp
Classification: Uncertain significance for Tyrosinemia type II. Last evaluated: 2021-08-27. Review status: criteria provided, single submitter. Criteria: Invitae Variant Classification Sherloc (09022015). Collection method: clinical testing. Allele origin: germline.
Comment: This sequence change replaces methionine with threonine at codon 380 of the TAT protein (p.Met380Thr). The methionine residue is moderately conserved and there is a moderate physicochemical difference between methionine and threonine. This variant is not present in population databases (ExAC no frequency). This variant has not been reported in the literature in individuals with TAT-related disease. Algorithms developed to predict the effect of missense changes on protein structure and function (SIFT, PolyPhen-2, Align-GVGD) all suggest that this variant is likely to be tolerated, but these predictions have not been confirmed by published functional studies and their clinical significance is uncertain. In summary, the available evidence is currently insufficient to determine the role of this variant in disease. Therefore, it has been classified as a Variant of Uncertain Significance.

NM_000353.3(TAT):c.1139T>C (p.Met380Thr)

Genes: TAT (tyrosine aminotransferase; minus strand), TAT-AS1 (TAT antisense RNA 1; plus strand). Cytogenetic location: 16q22.2.
Variant type: single nucleotide variant.
Coding change: c.1139T>C on transcript NM_000353.3 (MANE Select); coding-DNA position 1139, T replaced by C.
Protein change: p.Met380Thr; replaces methionine 380 with threonine.
Molecular consequence: missense variant.
Genome position (GRCh38, 1-based): chr16:71,568,796, A>G on the plus strand (T>C on the coding strand, the complement: TAT is on the minus strand). VCF-style: chr16-71568796-A-G. GRCh37 (hg19) VCF-style: chr16-71602699-A-G.
Other names: c.1139T>C (NM_000353.2); short protein forms M380T.
Identifiers: ClinVar variation 2142596 (VCV002142596.2), dbSNP rs1344409816, ClinGen allele CA396649886.
Genomic context (GRCh38, chr16:71,568,796, plus strand): 5'-TGCTCAGCAACTAACCGCTCCGTGAACTCCACATCGTTCTCAAATTCTGGGAAATGTTCC[A>G]TCTCAATTCCAACCTATACCAACAGGAGGGAGAGGCCAACTTATCAGAAGGAGGGAGAAC-3'
Protein context (NP_000344.1, residues 370-390): GAMYLMVGIE[Met380Thr]EHFPEFENDV